The following is an entry in ClinVar:

NM_001365536.1(SCN9A):c.865A>G (p.Ile289Val)

Gene: SCN9A (sodium voltage-gated channel alpha subunit 9; minus strand). Cytogenetic location: 2q24.3.
Variant type: single nucleotide variant.
Coding change: c.865A>G on transcript NM_001365536.1 (MANE Select); coding-DNA position 865, A replaced by G.
Protein change: p.Ile289Val; replaces isoleucine 289 with valine.
Molecular consequence: missense variant.
Genome position (GRCh38, 1-based): chr2:166,303,126, T>C on the plus strand (A>G on the coding strand, the complement: SCN9A is on the minus strand). VCF-style: chr2-166303126-T-C. GRCh37 (hg19) VCF-style: chr2-167159636-T-C.
Other names: c.865A>G, p.Ile289Val (NM_002977.4); short protein forms I289V.
Identifiers: ClinVar variation 1366019 (VCV001366019.8), dbSNP rs2106522168, ClinGen allele CA349092370.

ClinVar aggregate classification (germline): Uncertain significance (1 of 4 stars; one submission).

Conditions:
Generalized epilepsy with febrile seizures plus, type 7 (GEFSP7). Also called: GEFS+, TYPE 7. Identifiers: Orphanet 36387, MedGen C2751778, MONDO:0013470, OMIM 613863.
Neuropathy, hereditary sensory and autonomic, type 2A (HSAN2A). Also called: MORVAN DISEASE; ACROOSTEOLYSIS, GIACCAI TYPE; ACROOSTEOLYSIS, NEUROGENIC; NEUROPATHY, CONGENITAL SENSORY; NEUROPATHY, HEREDITARY SENSORY RADICULAR, AUTOSOMAL RECESSIVE; NEUROPATHY, HEREDITARY SENSORY, TYPE IIA. Identifiers: Orphanet 970, MedGen C2752089, MONDO:0024309, OMIM 201300.

gnomAD v4.1: 1 of 1,608,828 alleles (0.000062%); highest among the groups gnomAD compares: Non-Finnish European, 0.000085%; no homozygotes.

Submission:

Labcorp Genetics (formerly Invitae), Labcorp
Classification: Uncertain significance for Neuropathy, hereditary sensory and autonomic, type 2A; Generalized epilepsy with febrile seizures plus, type 7. Last evaluated: 2021-08-07. Review status: criteria provided, single submitter. Criteria: Invitae Variant Classification Sherloc (09022015). Collection method: clinical testing. Allele origin: germline.
Comment: This sequence change replaces isoleucine with valine at codon 289 of the SCN9A protein (p.Ile289Val). The isoleucine residue is moderately conserved and there is a small physicochemical difference between isoleucine and valine. This variant is not present in population databases (ExAC no frequency). This variant has not been reported in the literature in individuals with SCN9A-related conditions. Algorithms developed to predict the effect of missense changes on protein structure and function (SIFT, PolyPhen-2, Align-GVGD) all suggest that this variant is likely to be tolerated, but these predictions have not been confirmed by published functional studies and their clinical significance is uncertain. In summary, the available evidence is currently insufficient to determine the role of this variant in disease. Therefore, it has been classified as a Variant of Uncertain Significance.